The following is an entry in ClinVar:

NC_000017.10:g.(?_80710070)_(80710273_?)del

Gene: TBCD (tubulin folding cofactor D). Cytogenetic location: 17q25.3.
Variant type: Deletion.
Identifiers: ClinVar variation 3243162 (VCV003243162.1).

ClinVar aggregate classification (germline): Pathogenic (1 of 4 stars; one submission).

Submission:

Labcorp Genetics (formerly Invitae), Labcorp
Classification: Pathogenic. Last evaluated: 2023-10-23. Review status: criteria provided, single submitter. Criteria: Invitae Variant Classification Sherloc (09022015). Collection method: clinical testing. Allele origin: unknown.
Comment: This variant is a gross deletion of the genomic region encompassing exon(s) 1 of the TBCD gene, which includes the initiator codon. This deletion extends beyond the assayed region for this gene and therefore may encompass additional genes. It is expected to result in an absent or disrupted protein product. Loss-of-function variants in TBCD are known to be pathogenic (PMID: 27666370, 27666374). This variant has not been reported in the literature in individuals affected with TBCD-related conditions. For these reasons, this variant has been classified as Pathogenic.

Literature cited by the submitters: PubMed 27666370; PubMed 27666374.